The following is an entry in ClinVar:

NM_000179.3(MSH6):c.296A>G (p.Lys99Arg)

Gene: MSH6 (mutS homolog 6; plus strand). Cytogenetic location: 2p16.3.
Variant type: single nucleotide variant.
Coding change: c.296A>G on transcript NM_000179.3 (MANE Select); coding-DNA position 296, A replaced by G.
Protein change: p.Lys99Arg; replaces lysine 99 with arginine.
Molecular consequence: missense variant. On other transcripts: 5 prime UTR variant (2), intron variant (1).
Genome position (GRCh38, 1-based): chr2:47,790,962, A>G. VCF-style: chr2-47790962-A-G. GRCh37 (hg19) VCF-style: chr2-48018101-A-G.
Other names: c.-441A>G (NM_001281493.2); c.-607A>G (NM_001281494.2); c.237+7492A>G (NM_001281492.2); short protein forms K99R.
Identifiers: ClinVar variation 926724 (VCV000926724.4), dbSNP rs1668687042, ClinGen allele CA346736683.

ClinVar aggregate classification (germline): Uncertain significance. Review status: criteria provided, multiple submitters, no conflicts (2 of 4 stars). 2 submissions from 2 submitters: Uncertain significance (2). Last evaluated 2019-02-15.

Conditions:
Hereditary cancer-predisposing syndrome. Also called: Neoplastic Syndromes, Hereditary; Tumor predisposition; Hereditary Cancer Syndrome; Hereditary neoplastic syndrome. Identifiers: Orphanet 140162, MedGen C0027672, MeSH D009386, MONDO:0015356.

Allele frequency attached by ClinVar (database versions not stated): gnomAD exomes below 0.00001.
gnomAD v4.1: 4 of 1,614,226 alleles (0.00025%); highest among the groups gnomAD compares: Non-Finnish European, 0.00034%; no homozygotes.

Submissions (2):

Color Diagnostics, LLC DBA Color Health
Classification: Uncertain significance for Hereditary cancer-predisposing syndrome. Last evaluated: 2019-02-15. Review status: criteria provided, single submitter. Criteria: ACMG Guidelines, 2015. Collection method: clinical testing. Allele origin: germline.

Ambry Genetics
Classification: Uncertain significance for Hereditary cancer-predisposing syndrome. Last evaluated: 2018-07-09. Review status: criteria provided, single submitter. Criteria: Ambry Variant Classification Scheme 2023. Collection method: clinical testing. Allele origin: germline.
Comment: The p.K99R variant (also known as c.296A>G), located in coding exon 2 of the MSH6 gene, results from an A to G substitution at nucleotide position 296. The lysine at codon 99 is replaced by arginine, an amino acid with highly similar properties. This amino acid position is highly conserved in available vertebrate species. In addition, the in silico prediction for this alteration is inconclusive. In addition, the CoDP in silico tool predicts this alteration to have minor impact on molecular function, with a score of 0.006 (Terui H et al. J. Biomed. Sci. 2013 Apr;20:25). Since supporting evidence is limited at this time, the clinical significance of this alteration remains unclear.